The following is an entry in ClinVar:

NM_000092.5(COL4A4):c.4664_4665del (p.Leu1554_Ser1555insTer)

Gene: COL4A4 (collagen type IV alpha 4 chain; minus strand). Cytogenetic location: 2q36.3.
Variant type: Microsatellite.
Coding change: c.4664_4665del on transcript NM_000092.5 (MANE Select); coding-DNA positions 4664 to 4665, 2 bases deleted (CT; older notation c.4664_4665delCT).
Protein change: p.Leu1554_Ser1555insTer.
Molecular consequence: nonsense.
Genome position (GRCh38, 1-based): chr2:227,008,162-227,008,163, AG deleted on the plus strand (CT on the coding strand, the reverse complement: COL4A4 is on the minus strand); deleting any 2 consecutive bases within chr2:227,008,162-227,008,167 gives the same sequence; the c. name uses the placement nearest the transcript's 3' end. VCF-style (leftmost placement, unchanged base first): chr2-227008161-CAG-C. GRCh37 (hg19) VCF-style: chr2-227872877-CAG-C.
Identifiers: ClinVar variation 4291869 (VCV004291869.1).

ClinVar aggregate classification (germline): Pathogenic (1 of 4 stars; one submission).

Conditions:
Autosomal recessive Alport syndrome (ATS2). Also called: Alport syndrome type 2; ALPORT SYNDROME 2, AUTOSOMAL RECESSIVE; COL4A4 Alport Syndrome and Thin Basement Membrane Nephropathy; COL4A3-Related Nephropathy. Identifiers: Orphanet 63, Orphanet 88919, MedGen C4746745, MONDO:0008762, OMIM 203780.

Submission:

3billion
Classification: Pathogenic for Autosomal recessive Alport syndrome. Last evaluated: 2024-12-18. Review status: criteria provided, single submitter. Criteria: ACMG Guidelines, 2015. Collection method: clinical testing. Allele origin: germline. Affected: yes.
Comment: The variant is observed at an extremely low frequency in the gnomAD v4.1.0 dataset (total allele frequency: <0.001%). Predicted Consequence/Location: Stop-gained (nonsense): predicted to result in a loss or disruption of normal protein function through nonsense-mediated decay (NMD) or protein truncation. Multiple pathogenic variants are reported downstream of the variant. The variant has been reported to be associated with COL4A4-related disorder (PMID: 25307543). Therefore, this variant is classified as Pathogenic according to the recommendation of ACMG/AMP guideline.

Literature cited by the submitters: PubMed 25307543.